The following is an entry in ClinVar:

NM_024757.5(EHMT1):c.1975A>G (p.Lys659Glu)

Gene: EHMT1 (euchromatic histone lysine methyltransferase 1; plus strand). Cytogenetic location: 9q34.3.
Variant type: single nucleotide variant.
Coding change: c.1975A>G on transcript NM_024757.5 (MANE Select); coding-DNA position 1975, A replaced by G.
Protein change: p.Lys659Glu; replaces lysine 659 with glutamic acid.
Molecular consequence: missense variant.
Genome position (GRCh38, 1-based): chr9:137,776,801, A>G. VCF-style: chr9-137776801-A-G. GRCh37 (hg19) VCF-style: chr9-140671253-A-G.
Other names: c.1975A>G, p.Lys659Glu (NM_001145527.2); c.1882A>G, p.Lys628Glu (NM_001354259.2); c.1954A>G, p.Lys652Glu (NM_001354263.2); short protein forms K628E, K659E, K652E.
Identifiers: ClinVar variation 2095060 (VCV002095060.4), dbSNP rs2542372272, ClinGen allele CA375776853.

ClinVar aggregate classification (germline): Uncertain significance (1 of 4 stars; one submission).

Conditions:
Kleefstra syndrome 1 (KLEFS1). Identifiers: Orphanet 261494, MedGen C0795833, MONDO:0027407, OMIM 610253.

Submission:

Labcorp Genetics (formerly Invitae), Labcorp
Classification: Uncertain significance for Kleefstra syndrome 1. Last evaluated: 2022-02-08. Review status: criteria provided, single submitter. Criteria: Invitae Variant Classification Sherloc (09022015). Collection method: clinical testing. Allele origin: germline.
Comment: Algorithms developed to predict the effect of missense changes on protein structure and function are either unavailable or do not agree on the potential impact of this missense change (SIFT: "Tolerated"; PolyPhen-2: "Possibly Damaging"; Align-GVGD: "Class C0"). In summary, the available evidence is currently insufficient to determine the role of this variant in disease. Therefore, it has been classified as a Variant of Uncertain Significance. This variant has not been reported in the literature in individuals affected with EHMT1-related conditions. This sequence change replaces lysine, which is basic and polar, with glutamic acid, which is acidic and polar, at codon 659 of the EHMT1 protein (p.Lys659Glu). This variant is not present in population databases (gnomAD no frequency).